The following is an entry in ClinVar:

NM_014140.4(SMARCAL1):c.50G>A (p.Arg17Gln)

Gene: SMARCAL1 (SNF2 related chromatin remodeling annealing helicase 1; plus strand). Cytogenetic location: 2q35.
Variant type: single nucleotide variant.
Coding change: c.50G>A on transcript NM_014140.4 (MANE Select); coding-DNA position 50, G replaced by A.
Protein change: p.Arg17Gln; replaces arginine 17 with glutamine.
Molecular consequence: missense variant.
Genome position (GRCh38, 1-based): chr2:216,414,754, G>A. VCF-style: chr2-216414754-G-A. GRCh37 (hg19) VCF-style: chr2-217279477-G-A.
Other names: c.50G>A, p.Arg17Gln (NM_001127207.2); short protein forms R17Q.
Identifiers: ClinVar variation 1896702 (VCV001896702.3), dbSNP rs766393568, ClinGen allele CA2097550.

ClinVar aggregate classification (germline): Uncertain significance. Review status: criteria provided, multiple submitters, no conflicts (2 of 4 stars). 2 submissions from 2 submitters: Uncertain significance (2). Last evaluated 2025-08-14.

Conditions:
Inborn genetic diseases. Identifiers: MedGen C0950123, MeSH D030342.
Schimke immuno-osseous dysplasia (SIOD). Also called: Schimke Immunoosseous Dysplasia. Identifiers: Orphanet 1830, MedGen C0877024, MONDO:0009458, OMIM 242900.

Allele frequency attached by ClinVar (database versions not stated): gnomAD exomes 0.00001; ExAC 0.00002.
gnomAD v4.1: 22 of 1,614,150 alleles (0.0014%); highest among the groups gnomAD compares: Middle Eastern, 0.016%; 1 homozygote.

Submissions (2):

Ambry Genetics
Classification: Uncertain significance for Inborn genetic diseases. Last evaluated: 2025-08-14. Review status: criteria provided, single submitter. Criteria: Ambry Variant Classification Scheme 2023. Collection method: clinical testing. Allele origin: germline.

Labcorp Genetics (formerly Invitae), Labcorp
Classification: Uncertain significance for Schimke immuno-osseous dysplasia. Last evaluated: 2022-07-12. Review status: criteria provided, single submitter. Criteria: Invitae Variant Classification Sherloc (09022015). Collection method: clinical testing. Allele origin: germline.
Comment: This sequence change replaces arginine, which is basic and polar, with glutamine, which is neutral and polar, at codon 17 of the SMARCAL1 protein (p.Arg17Gln). This variant is present in population databases (rs766393568, gnomAD 0.006%), including at least one homozygous and/or hemizygous individual. This variant has not been reported in the literature in individuals affected with SMARCAL1-related conditions. Algorithms developed to predict the effect of missense changes on protein structure and function are either unavailable or do not agree on the potential impact of this missense change (SIFT: "Tolerated"; PolyPhen-2: "Probably Damaging"; Align-GVGD: "Class C0"). In summary, the available evidence is currently insufficient to determine the role of this variant in disease. Therefore, it has been classified as a Variant of Uncertain Significance.